The following is an entry in ClinVar:

NM_001205293.3(CACNA1E):c.5602A>G (p.Ile1868Val)

Gene: CACNA1E (calcium voltage-gated channel subunit alpha1 E; plus strand). Cytogenetic location: 1q25.3.
Variant type: single nucleotide variant.
Coding change: c.5602A>G on transcript NM_001205293.3 (MANE Select); coding-DNA position 5602, A replaced by G.
Protein change: p.Ile1868Val; replaces isoleucine 1868 with valine.
Molecular consequence: missense variant.
Genome position (GRCh38, 1-based): chr1:181,785,341, A>G. VCF-style: chr1-181785341-A-G. GRCh37 (hg19) VCF-style: chr1-181754477-A-G.
Other names: c.5602A>G, p.Ile1868Val (NM_000721.4); c.5545A>G, p.Ile1849Val (NM_001205294.2); short protein forms I1849V, I1868V.
Identifiers: ClinVar variation 2191667 (VCV002191667.4), dbSNP rs1183137426, ClinGen allele CA343631380.

ClinVar aggregate classification (germline): Uncertain significance (1 of 4 stars; one submission).

Allele frequency attached by ClinVar (database versions not stated): gnomAD exomes below 0.00001; TOPMed below 0.00001; gnomAD 0.00001.
gnomAD v4.1: 2 of 1,613,336 alleles (0.00012%); highest among the groups gnomAD compares: Non-Finnish European, 0.00017%; no homozygotes.

Submission:

Labcorp Genetics (formerly Invitae), Labcorp
Classification: Uncertain significance. Last evaluated: 2023-11-15. Review status: criteria provided, single submitter. Criteria: Invitae Variant Classification Sherloc (09022015). Collection method: clinical testing. Allele origin: germline.
Comment: This sequence change replaces isoleucine, which is neutral and non-polar, with valine, which is neutral and non-polar, at codon 1868 of the CACNA1E protein (p.Ile1868Val). This variant is present in population databases (no rsID available, gnomAD 0.007%). This variant has not been reported in the literature in individuals affected with CACNA1E-related conditions. ClinVar contains an entry for this variant (Variation ID: 2191667). Advanced modeling of protein sequence and biophysical properties (such as structural, functional, and spatial information, amino acid conservation, physicochemical variation, residue mobility, and thermodynamic stability) performed at Invitae indicates that this missense variant is not expected to disrupt CACNA1E protein function with a negative predictive value of 95%. In summary, the available evidence is currently insufficient to determine the role of this variant in disease. Therefore, it has been classified as a Variant of Uncertain Significance.